The following is an entry in ClinVar:

ClinVar aggregate classification (germline): Uncertain significance (1 of 4 stars; one submission).

Conditions:
Hypoinsulinemic hypoglycemia and body hemihypertrophy. Also called: Hypoinsulinemic hypoglycemia and hemihypertrophy. Identifiers: Orphanet 293964, MedGen C3278384, MONDO:0009416, OMIM 240900.
Type 2 diabetes mellitus. Also called: Type II diabetes mellitus. Identifiers: MedGen C0011860, MeSH D003924, MONDO:0005148, OMIM 125853, HP:0005978.

Submission:

Labcorp Genetics (formerly Invitae), Labcorp
Classification: Uncertain significance for Hypoinsulinemic hypoglycemia and body hemihypertrophy; Type 2 diabetes mellitus. Last evaluated: 2025-10-07. Review status: criteria provided, single submitter. Criteria: Invitae Variant Classification Sherloc (09022015). Collection method: clinical testing. Allele origin: germline.
Comment: This variant, c.1197_1202del, is a complex sequence change that results in the deletion of 3 and insertion of 1 amino acid(s) in the AKT2 protein (p.Asp399_Lys401delinsGlu). This variant is not present in population databases (gnomAD no frequency). This variant has not been reported in the literature in individuals affected with AKT2-related conditions. Experimental studies and prediction algorithms are not available or were not evaluated, and the functional significance of this variant is currently unknown. In summary, the available evidence is currently insufficient to determine the role of this variant in disease. Therefore, it has been classified as a Variant of Uncertain Significance.

NM_001626.6(AKT2):c.1197_1202del (p.Asp399_Lys401delinsGlu)

Gene: AKT2 (AKT serine/threonine kinase 2; minus strand). Cytogenetic location: 19q13.2.
Variant type: Deletion.
Coding change: c.1197_1202del on transcript NM_001626.6 (MANE Select); coding-DNA positions 1197 to 1202, 6 bases deleted (TGCCAA; older notation c.1197_1202delTGCCAA).
Protein change: p.Asp399_Lys401delinsGlu.
Molecular consequence: inframe indel.
Genome position (GRCh38, 1-based): chr19:40,235,324-40,235,329, TTGGCA deleted on the plus strand (TGCCAA on the coding strand, the reverse complement: AKT2 is on the minus strand); deleting any 6 consecutive bases within chr19:40,235,324-40,235,330 gives the same sequence; the c. name uses the placement nearest the transcript's 3' end. VCF-style (leftmost placement, unchanged base first): chr19-40235323-CTTGGCA-C. GRCh37 (hg19) VCF-style: chr19-40741230-CTTGGCA-C.
Other names: c.1011_1016del, p.Asp337_Lys339delinsGlu (NM_001243027.3, NM_001243028.3); c.1068_1073del, p.Asp356_Lys358delinsGlu (NM_001330511.1).
Identifiers: ClinVar variation 4786349 (VCV004786349.1).